The following is an entry in ClinVar:

NM_001127222.2(CACNA1A):c.6031C>T (p.Leu2011=)

Gene: CACNA1A (calcium voltage-gated channel subunit alpha1 A; minus strand). Cytogenetic location: 19p13.13.
Variant type: single nucleotide variant.
Coding change: c.6031C>T on transcript NM_001127222.2 (MANE Select); coding-DNA position 6031, C replaced by T.
Protein change: p.Leu2011=; no amino-acid change (leucine 2011 retained).
Molecular consequence: synonymous variant.
Genome position (GRCh38, 1-based): chr19:13,212,650, G>A on the plus strand (C>T on the coding strand, the complement: CACNA1A is on the minus strand). VCF-style: chr19-13212650-G-A. GRCh37 (hg19) VCF-style: chr19-13323464-G-A.
Other names: c.6049C>T, p.Leu2017= (NM_000068.4, NM_023035.3); c.6034C>T, p.Leu2012= (NM_001127221.2); c.6040C>T, p.Leu2014= (NM_001174080.2).
Identifiers: ClinVar variation 2649382 (VCV002649382.24), dbSNP rs16046, ClinGen allele CA305551122.

ClinVar aggregate classification (germline): Likely benign (1 of 4 stars; one submission).

gnomAD v4.1: 1 of 1,518,924 alleles (0.000066%); highest among the groups gnomAD compares: Non-Finnish European, 0.000088%; no homozygotes.

Submission:

CeGaT Center for Human Genetics Tuebingen
Classification: Likely benign. Last evaluated: 2022-07-01. Review status: criteria provided, single submitter. Criteria: CeGaT Center For Human Genetics Tuebingen Variant Classification Criteria Version 2. Collection method: clinical testing. Allele origin: germline. Affected: yes. Observed: 1 variant allele.
Comment: CACNA1A: PM2:Supporting, BP4, BP7